The following is an entry in ClinVar:

NM_018089.3(ANKZF1):c.403T>C (p.Ser135Pro)

Gene: ANKZF1 (ankyrin repeat and zinc finger peptidyl tRNA hydrolase 1; plus strand). Cytogenetic location: 2q35.
Variant type: single nucleotide variant.
Coding change: c.403T>C on transcript NM_018089.3 (MANE Select); coding-DNA position 403, T replaced by C.
Protein change: p.Ser135Pro; replaces serine 135 with proline.
Molecular consequence: missense variant. On other transcripts: 5 prime UTR variant (1).
Genome position (GRCh38, 1-based): chr2:219,232,528, T>C. VCF-style: chr2-219232528-T-C. GRCh37 (hg19) VCF-style: chr2-220097250-T-C.
Other names: c.403T>C, p.Ser135Pro (NM_001042410.2); c.-228T>C (NM_001282792.2); short protein forms S135P.
Identifiers: ClinVar variation 3005305 (VCV003005305.3), dbSNP rs1255934563, ClinGen allele CA350673538.

ClinVar aggregate classification (germline): Uncertain significance (1 of 4 stars; one submission).

Submission:

Labcorp Genetics (formerly Invitae), Labcorp
Classification: Uncertain significance. Last evaluated: 2023-02-18. Review status: criteria provided, single submitter. Criteria: Invitae Variant Classification Sherloc (09022015). Collection method: clinical testing. Allele origin: germline.
Comment: In summary, the available evidence is currently insufficient to determine the role of this variant in disease. Therefore, it has been classified as a Variant of Uncertain Significance. An algorithm developed to predict the effect of missense changes on protein structure and function (PolyPhen-2) suggests that this variant is likely to be disruptive. This variant has not been reported in the literature in individuals affected with ANKZF1-related conditions. This variant is not present in population databases (gnomAD no frequency). This sequence change replaces serine, which is neutral and polar, with proline, which is neutral and non-polar, at codon 135 of the ANKZF1 protein (p.Ser135Pro).